The following is an entry in ClinVar:

NM_005120.3(MED12):c.3868-11A>G

Gene: MED12 (mediator complex subunit 12; plus strand). Cytogenetic location: Xq13.1.
Variant type: single nucleotide variant.
Coding change: c.3868-11A>G on transcript NM_005120.3 (MANE Select); 11 bases into the intron before coding-DNA position 3868, A replaced by G.
Molecular consequence: intron variant.
Genome position (GRCh38, 1-based): chrX:71,130,024, A>G. VCF-style: chrX-71130024-A-G. GRCh37 (hg19) VCF-style: chrX-70349874-A-G.
Identifiers: ClinVar variation 2859835 (VCV002859835.3), dbSNP rs1602300284, ClinGen allele CA2436355136.
Genomic context (GRCh38, chrX:71,130,024, plus strand): 5'-CTCCAGCCCATCCCCCATATTCCTAACCCCCTCACTGGTTGTTCCCAGTCCCTGATTGTC[A>G]GCTTCCTCAGGAATGGGTAGGAGAACGTTGCCTTAAGTCTCTGTGTGAGGACAGCAATGA-3'

ClinVar aggregate classification (germline): Uncertain significance (1 of 4 stars; one submission).

Conditions:
FG syndrome (FGS). Identifiers: MedGen C0220769, MONDO:0002010.

Allele frequency attached by ClinVar (database versions not stated): gnomAD exomes below 0.00001.
gnomAD v4.1: 1 of 1,205,730 alleles (0.000083%); highest among the groups gnomAD compares: East Asian, 0.003%; no homozygotes.

Submission:

Labcorp Genetics (formerly Invitae), Labcorp
Classification: Uncertain significance for FG syndrome. Last evaluated: 2023-09-10. Review status: criteria provided, single submitter. Criteria: Invitae Variant Classification Sherloc (09022015). Collection method: clinical testing. Allele origin: germline.
Comment: This sequence change falls in intron 27 of the MED12 gene. It does not directly change the encoded amino acid sequence of the MED12 protein. This variant is not present in population databases (gnomAD no frequency). This variant has not been reported in the literature in individuals affected with MED12-related conditions. Algorithms developed to predict the effect of sequence changes on RNA splicing suggest that this variant may disrupt the consensus splice site. In summary, the available evidence is currently insufficient to determine the role of this variant in disease. Therefore, it has been classified as a Variant of Uncertain Significance.